The following is an entry in ClinVar:

ClinVar aggregate classification (germline): Uncertain significance. Review status: criteria provided, multiple submitters, no conflicts (2 of 4 stars). 2 submissions from 2 submitters: Uncertain significance (2). Last evaluated 2025-12-29.

Conditions:
Medium-chain acyl-coenzyme A dehydrogenase deficiency (ACADMD). Also called: MCADH DEFICIENCY; MCADD; Medium chain acyl-CoA dehydrogenase deficiency; ACADM DEFICIENCY; CARNITINE DEFICIENCY SECONDARY TO MEDIUM-CHAIN ACYL-CoA DEHYDROGENASE DEFICIENCY; MCAD Deficiency. Identifiers: Orphanet 42, MedGen C0220710, MONDO:0008721, OMIM 201450.

Allele frequency attached by ClinVar (database versions not stated): gnomAD 0.00001; TOPMed 0.00002.
gnomAD v4.1: 2 of 1,613,938 alleles (0.00012%); highest among the groups gnomAD compares: African/African-American, 0.0027%; no homozygotes.

Submissions (2):

Labcorp Genetics (formerly Invitae), Labcorp
Classification: Uncertain significance for Medium-chain acyl-coenzyme A dehydrogenase deficiency. Last evaluated: 2025-12-29. Review status: criteria provided, single submitter. Criteria: Invitae Variant Classification Sherloc (09022015). Collection method: clinical testing. Allele origin: germline.
Comment: This sequence change replaces arginine, which is basic and polar, with threonine, which is neutral and polar, at codon 248 of the ACADM protein (p.Arg248Thr). This variant is not present in population databases (gnomAD no frequency). This variant has not been reported in the literature in individuals affected with ACADM-related conditions. ClinVar contains an entry for this variant (Variation ID: 3233772). Invitae Evidence Modeling of protein sequence and biophysical properties (such as structural, functional, and spatial information, amino acid conservation, physicochemical variation, residue mobility, and thermodynamic stability) has been performed for this missense variant. However, the output from this modeling did not meet the statistical confidence thresholds required to predict the impact of this variant on ACADM protein function. This variant disrupts the p.Arg248 amino acid residue in ACADM. Other variant(s) that disrupt this residue have been determined to be pathogenic (PMID: 15832312, 19224950). This suggests that this residue is clinically significant, and that variants that disrupt this residue are likely to be disease-causing. In summary, the available evidence is currently insufficient to determine the role of this variant in disease. Therefore, it has been classified as a Variant of Uncertain Significance.

Women's Health and Genetics/Laboratory Corporation of America, LabCorp
Classification: Uncertain significance. Last evaluated: 2024-03-25. Review status: criteria provided, single submitter. Criteria: LabCorp Variant Classification Summary - May 2015. Collection method: clinical testing. Allele origin: germline.

Literature cited by the submitters: PubMed 15832312 (cited by Labcorp Genetics (formerly Invitae), Labcorp); PubMed 19224950 (cited by Labcorp Genetics (formerly Invitae), Labcorp).

NM_000016.6(ACADM):c.743G>C (p.Arg248Thr)

Gene: ACADM (acyl-CoA dehydrogenase medium chain; plus strand). Cytogenetic location: 1p31.1.
Variant type: single nucleotide variant.
Coding change: c.743G>C on transcript NM_000016.6 (MANE Select); coding-DNA position 743, G replaced by C.
Protein change: p.Arg248Thr; replaces arginine 248 with threonine.
Molecular consequence: missense variant.
Genome position (GRCh38, 1-based): chr1:75,749,453, G>C. VCF-style: chr1-75749453-G-C. GRCh37 (hg19) VCF-style: chr1-76215138-G-C.
Other names: c.755G>C, p.Arg252Thr (NM_001127328.3); c.635G>C, p.Arg212Thr (NM_001286042.2); c.842G>C, p.Arg281Thr (NM_001286043.2); c.176G>C, p.Arg59Thr (NM_001286044.2); short protein forms R212T, R248T, R252T, R281T, R59T.
Identifiers: ClinVar variation 3233772 (VCV003233772.3), dbSNP rs1035989817, ClinGen allele CA24631579.
Genomic context (GRCh38, chr1:75,749,453, plus strand): 5'-TTAAAATATATCAATTTTCTTATTAGGAATTAAACATGGGCCAGCGATGTTCAGATACTA[G>C]AGGAATTGTCTTCGAAGATGTGAAAGTGCCTAAAGAAAATGTTTTAATTGGTGACGGAGC-3'
Protein context (NP_000007.1, residues 238-258): LNMGQRCSDT[Arg248Thr]GIVFEDVKVP